The following is an entry in ClinVar:

NM_001111067.4(ACVR1):c.481G>A (p.Asp161Asn)

Gene: ACVR1 (activin A receptor type 1; minus strand). Cytogenetic location: 2q24.1.
Variant type: single nucleotide variant.
Coding change: c.481G>A on transcript NM_001111067.4 (MANE Select); coding-DNA position 481, G replaced by A.
Protein change: p.Asp161Asn; replaces aspartic acid 161 with asparagine.
Molecular consequence: missense variant.
Genome position (GRCh38, 1-based): chr2:157,778,193, C>T on the plus strand (G>A on the coding strand, the complement: ACVR1 is on the minus strand). VCF-style: chr2-157778193-C-T. GRCh37 (hg19) VCF-style: chr2-158634705-C-T.
Other names: c.481G>A, p.Asp161Asn (NM_001105.5, NM_001347663.1, NM_001347664.1 and 3 more transcripts); short protein forms D161N.
Identifiers: ClinVar variation 3010298 (VCV003010298.3), dbSNP rs1686365704, ClinGen allele CA349192848.

ClinVar aggregate classification (germline): Uncertain significance (1 of 4 stars; one submission).

Allele frequency attached by ClinVar (database versions not stated): gnomAD exomes below 0.00001.
gnomAD v4.1: 2 of 1,614,000 alleles (0.00012%); highest among the groups gnomAD compares: Non-Finnish European, 0.00017%; no homozygotes.

Submission:

Labcorp Genetics (formerly Invitae), Labcorp
Classification: Uncertain significance. Last evaluated: 2023-09-09. Review status: criteria provided, single submitter. Criteria: Invitae Variant Classification Sherloc (09022015). Collection method: clinical testing. Allele origin: germline.
Comment: In summary, the available evidence is currently insufficient to determine the role of this variant in disease. Therefore, it has been classified as a Variant of Uncertain Significance. An algorithm developed to predict the effect of missense changes on protein structure and function (PolyPhen-2) suggests that this variant is likely to be disruptive. This variant has not been reported in the literature in individuals affected with ACVR1-related conditions. This variant is not present in population databases (gnomAD no frequency). This sequence change replaces aspartic acid, which is acidic and polar, with asparagine, which is neutral and polar, at codon 161 of the ACVR1 protein (p.Asp161Asn).